The following is an entry in ClinVar:

ClinVar aggregate classification (germline): Uncertain significance (1 of 4 stars; one submission).

gnomAD v4.1: 1 of 1,613,298 alleles (0.000062%); highest among the groups gnomAD compares: Non-Finnish European, 0.000085%; no homozygotes.

Submission:

Ambry Genetics
Classification: Uncertain significance. Last evaluated: 2025-02-17. Review status: criteria provided, single submitter. Criteria: Ambry Variant Classification Scheme 2023. Collection method: clinical testing. Allele origin: germline.
Comment: The p.S586R variant (also known as c.1758C>G), located in coding exon 13 of the GEN1 gene, results from a C to G substitution at nucleotide position 1758. The serine at codon 586 is replaced by arginine, an amino acid with dissimilar properties. This amino acid position is conserved. In addition, this alteration is predicted to be tolerated by in silico analysis. Based on the available evidence, the clinical significance of this variant remains unclear.

NM_001130009.3(GEN1):c.1758C>G (p.Ser586Arg)

Gene: GEN1 (GEN1 Holliday junction 5' flap endonuclease; plus strand). Cytogenetic location: 2p24.2.
Variant type: single nucleotide variant.
Coding change: c.1758C>G on transcript NM_001130009.3 (MANE Select); coding-DNA position 1758, C replaced by G.
Protein change: p.Ser586Arg; replaces serine 586 with arginine.
Molecular consequence: missense variant.
Genome position (GRCh38, 1-based): chr2:17,780,970, C>G. VCF-style: chr2-17780970-C-G. GRCh37 (hg19) VCF-style: chr2-17962237-C-G.
Other names: c.1758C>G, p.Ser586Arg (NM_182625.5); short protein forms S586R.
Identifiers: ClinVar variation 3853580 (VCV003853580.1).